The following is an entry in ClinVar:

ClinVar aggregate classification (germline): Benign (1 of 4 stars; one submission).

Conditions:
Frank-Ter Haar syndrome. Also called: BORRONE DERMATOCARDIOSKELETAL SYNDROME; TER HAAR SYNDROME; MELNICK-NEEDLES SYNDROME, AUTOSOMAL RECESSIVE; Borrone di Rocco Crovato syndrome. Identifiers: Orphanet 1266, Orphanet 137834, MedGen C1855305, MONDO:0009579, OMIM 249420.

Allele frequency attached by ClinVar (database versions not stated): gnomAD exomes 0.00030; 1000 Genomes Project 30x 0.00547; 1000 Genomes Project 0.00579; gnomAD 0.01079 and 0.01132.
gnomAD v4.1: 409 of 167,978 alleles (0.24%); highest among the groups gnomAD compares: Admixed American, 12%; 9 homozygotes.

Submission:

Illumina Laboratory Services, Illumina
Classification: Benign for Frank-Ter Haar syndrome. Last evaluated: 2018-01-13. Review status: criteria provided, single submitter. Criteria: ICSL Variant Classification Criteria 13 December 2019. Collection method: clinical testing. Allele origin: germline.
Comment: This variant was observed in the ICSL laboratory as part of a predisposition screen in an ostensibly healthy population. It had not been previously curated by ICSL or reported in the Human Gene Mutation Database (HGMD: prior to June 1st, 2018), and was therefore a candidate for classification through an automated scoring system. Utilizing variant allele frequency, disease prevalence and penetrance estimates, and inheritance mode, an automated score was calculated to assess if this variant is too frequent to cause the disease. Based on the score and internal cut-off values, a variant classified as benign is not then subjected to further curation. The score for this variant resulted in a classification of benign for this disease.

NM_001017995.3(SH3PXD2B):c.*1683T>C

Gene: SH3PXD2B (SH3 and PX domains 2B; minus strand). Cytogenetic location: 5q35.1.
Variant type: single nucleotide variant.
Coding change: c.*1683T>C on transcript NM_001017995.3 (MANE Select); 1683 bases downstream of the stop codon, T replaced by C.
Molecular consequence: 3 prime UTR variant. On other transcripts: intron variant (1).
Genome position (GRCh38, 1-based): chr5:172,336,686, A>G on the plus strand (T>C on the coding strand, the complement: SH3PXD2B is on the minus strand). VCF-style: chr5-172336686-A-G. GRCh37 (hg19) VCF-style: chr5-171763690-A-G.
Other names: c.1188+9450T>C (NM_001308175.2).
Identifiers: ClinVar variation 352768 (VCV000352768.5), dbSNP rs573097315, ClinGen allele CA10621295.
Genomic context (GRCh38, chr5:172,336,686, plus strand): 5'-GCTTTGTGGGTCCAAAAGTATCTCGCCTGATGAACACTGTGAACTGGAGATCTCTGGGGC[A>G]GGGCAGGGTGGGGAGGGGCGGGGCAGGGCAGGGCAGGGCTGCCTCGGTCGGGTAGAATGG-3'